The following is an entry in ClinVar:

ClinVar aggregate classification (germline): Uncertain significance. Review status: criteria provided, multiple submitters, no conflicts (2 of 4 stars). 2 submissions from 2 submitters: Uncertain significance (2). Last evaluated 2024-09-15.

Conditions:
Arrhythmogenic right ventricular dysplasia 5. Also called: Arrhythmogenic Right Ventricular Dysplasia/Cardiomyopathy 5; ARRHYTHMOGENIC RIGHT VENTRICULAR DYSPLASIA, FAMILIAL, 5. Identifiers: MedGen C1858379, MONDO:0011459, OMIM 604400.

Allele frequency attached by ClinVar (database versions not stated): gnomAD exomes below 0.00001.
gnomAD v4.1: 1 of 1,614,088 alleles (0.000062%); highest among the groups gnomAD compares: Non-Finnish European, 0.000085%; no homozygotes.

Submissions (2):

Labcorp Genetics (formerly Invitae), Labcorp
Classification: Uncertain significance for Arrhythmogenic right ventricular dysplasia 5. Last evaluated: 2024-09-15. Review status: criteria provided, single submitter. Criteria: Invitae Variant Classification Sherloc (09022015). Collection method: clinical testing. Allele origin: germline.
Comment: This sequence change falls in intron 7 of the TMEM43 gene. It does not directly change the encoded amino acid sequence of the TMEM43 protein. It affects a nucleotide within the consensus splice site. This variant is not present in population databases (gnomAD no frequency). This variant has not been reported in the literature in individuals affected with TMEM43-related conditions. Variants that disrupt the consensus splice site are a relatively common cause of aberrant splicing (PMID: 17576681, 9536098). Algorithms developed to predict the effect of sequence changes on RNA splicing suggest that this variant may disrupt the consensus splice site. In summary, the available evidence is currently insufficient to determine the role of this variant in disease. Therefore, it has been classified as a Variant of Uncertain Significance.

All of Us Research Program, National Institutes of Health
Classification: Uncertain significance for Arrhythmogenic right ventricular dysplasia 5. Last evaluated: 2023-07-22. Review status: criteria provided, single submitter. Criteria: ACMG Guidelines, 2015. Collection method: clinical testing. Allele origin: germline. Inheritance: Autosomal dominant inheritance. Observed: 2 variant alleles, 2 heterozygotes.
Comment: This variant causes a G to A nucleotide substitution at the +5 position of intron 7 of the TMEM43 gene. To our knowledge, functional studies have not been reported for this variant. This variant has not been reported in individuals affected with TMEM43-related disorders in the literature. This variant has not been identified in the general population by the Genome Aggregation Database (gnomAD). The available evidence is insufficient to determine the role of this variant in disease conclusively. Therefore, this variant is classified as a Variant of Uncertain Significance.

This study involves interpretation of variants in research participants for the purpose of population health screening. Participant phenotype was not available at the time of variant classification. Additional details can be found in publication PMID: 35346344, PMCID: PMC8962531

Literature cited by the submitters: PubMed 17576681 (cited by Labcorp Genetics (formerly Invitae), Labcorp); PubMed 9536098 (cited by Labcorp Genetics (formerly Invitae), Labcorp).

NM_024334.3(TMEM43):c.583+5G>A

Gene: TMEM43 (transmembrane protein 43; plus strand). Cytogenetic location: 3p25.1.
Variant type: single nucleotide variant.
Coding change: c.583+5G>A on transcript NM_024334.3 (MANE Select); 5 bases into the intron after coding-DNA position 583, G replaced by A.
Molecular consequence: intron variant.
Genome position (GRCh38, 1-based): chr3:14,133,814, G>A. VCF-style: chr3-14133814-G-A. GRCh37 (hg19) VCF-style: chr3-14175314-G-A.
Other names: c.586+5G>A (NM_001407274.1); c.583+5G>A (NM_001407276.1, NM_001407275.1, NM_001407277.1 and 1 more transcripts); c.568+5G>A (NM_001407278.1); c.433+5G>A (NM_001407280.1).
Identifiers: ClinVar variation 2910698 (VCV002910698.4), dbSNP rs2470186155, ClinGen allele CA2577516461.
Genomic context (GRCh38, chr3:14,133,814, plus strand): 5'-GTCATTCATGGCAACAGCCCCCTTTGTCCAAATTGGCAGGTTTTTCCTCTCGTCAGGTAA[G>A]TCTCAGGCCTCTCCAGAGGAGCTCGTGCCAGAAGCACAAGGCCCCCCTAGGGCCGGAGCT-3'